The following is an entry in ClinVar:

NM_000535.7(PMS2):c.1109T>A (p.Leu370Gln)

Gene: PMS2 (PMS1 homolog 2, mismatch repair system component; minus strand). Cytogenetic location: 7p22.1.
Variant type: single nucleotide variant.
Coding change: c.1109T>A on transcript NM_000535.7 (MANE Select); coding-DNA position 1109, T replaced by A.
Protein change: p.Leu370Gln; replaces leucine 370 with glutamine.
Molecular consequence: missense variant. On other transcripts: non-coding transcript variant (1), intron variant (10).
Genome position (GRCh38, 1-based): chr7:5,989,835, A>T on the plus strand (T>A on the coding strand, the complement: PMS2 is on the minus strand). VCF-style: chr7-5989835-A-T. GRCh37 (hg19) VCF-style: chr7-6029466-A-T.
Other names: c.704T>A, p.Leu235Gln (NM_001018040.1, NM_001322003.2, NM_001322004.2 and 17 more transcripts); c.791T>A, p.Leu264Gln (NM_001322007.2, NM_001322008.2, NM_001406876.1 and 2 more transcripts); c.176T>A, p.Leu59Gln (NM_001322011.2, NM_001322012.2); c.536T>A, p.Leu179Gln (NM_001322013.2, NM_001406909.1); c.1109T>A, p.Leu370Gln (NM_001322014.2, NM_001406871.1, NM_001406872.1); c.800T>A, p.Leu267Gln (NM_001322015.2, NM_001406875.1, NM_001406877.1 and 5 more transcripts); c.1295T>A, p.Leu432Gln (NM_001406866.1); c.1133T>A, p.Leu378Gln (NM_001406868.1); and 13 more; short protein forms L113Q, L179Q, L199Q, L235Q, L248Q, L258Q, L264Q, L267Q.
Identifiers: ClinVar variation 3231972 (VCV003231972.1), dbSNP rs1338014748, ClinGen allele CA366742788.

ClinVar aggregate classification (germline): Uncertain significance (1 of 4 stars; one submission).

Conditions:
Hereditary cancer-predisposing syndrome. Also called: Neoplastic Syndromes, Hereditary; Tumor predisposition; Hereditary neoplastic syndrome; Hereditary Cancer Syndrome. Identifiers: Orphanet 140162, MedGen C0027672, MeSH D009386, MONDO:0015356.

Allele frequency attached by ClinVar (database versions not stated): TOPMed below 0.00001; gnomAD 0.00001.
gnomAD v4.1: 1 of 1,613,040 alleles (0.000062%); highest among the groups gnomAD compares: Non-Finnish European, 0.000085%; no homozygotes.

Submission:

Ambry Genetics
Classification: Uncertain significance for Hereditary cancer-predisposing syndrome. Last evaluated: 2023-09-23. Review status: criteria provided, single submitter. Criteria: Ambry Variant Classification Scheme 2023. Collection method: clinical testing. Allele origin: germline.
Comment: The p.L370Q variant (also known as c.1109T>A), located in coding exon 10 of the PMS2 gene, results from a T to A substitution at nucleotide position 1109. The leucine at codon 370 is replaced by glutamine, an amino acid with dissimilar properties. This amino acid position is conserved. In addition, this alteration is predicted to be deleterious by in silico analysis. Since supporting evidence is limited at this time, the clinical significance of this alteration remains unclear.